The following is an entry in ClinVar:

NM_000350.3(ABCA4):c.4854G>C (p.Trp1618Cys)

Genes: ABCA4 (ATP binding cassette subfamily A member 4; minus strand), LOC126805793 (CDK7 strongly-dependent group 2 enhancer GRCh37_chr1:94486302-94487501; plus strand). Cytogenetic location: 1p22.1.
Variant type: single nucleotide variant.
Coding change: c.4854G>C on transcript NM_000350.3 (MANE Select); coding-DNA position 4854, G replaced by C.
Protein change: p.Trp1618Cys; replaces tryptophan 1618 with cysteine.
Molecular consequence: missense variant.
Genome position (GRCh38, 1-based): chr1:94,021,404, C>G on the plus strand (G>C on the coding strand, the complement: ABCA4 is on the minus strand). VCF-style: chr1-94021404-C-G. GRCh37 (hg19) VCF-style: chr1-94486960-C-G.
Other names: c.4632G>C, p.Trp1544Cys (NM_001425324.1); short protein forms W1618C, W1544C.
Identifiers: ClinVar variation 812203 (VCV000812203.13), dbSNP rs61752439, ClinGen allele CA957438.
Genomic context (GRCh38, chr1:94,021,404, plus strand): 5'-GATGGCGTTGTGGGCCACATTGAGAAAGCTGACCAGGGCATGCCAGCCTTTGTTATTAAA[C>G]CACACCTAGAGGGTGGAGAGGACATCTGAGACGCTGCACTAACAGCTAGTTAAAGCAGAA-3'
Protein context (NP_000341.2, residues 1608-1628): HLETEDNIKV[Trp1618Cys]FNNKGWHALV

ClinVar aggregate classification (germline): Pathogenic/Likely pathogenic. Review status: criteria provided, multiple submitters, no conflicts (2 of 4 stars). 5 submissions from 5 submitters: Pathogenic (2); Likely pathogenic (1). 2 of the submissions do not count toward it. Last evaluated 2025-11-20.

Conditions:
Stargardt disease (FFM). Also called: Stargardt's disease; Fundus flavimaculatus. Identifiers: Orphanet 827, MedGen C0271093, MONDO:0019353.
ABCA4-related disorder. Also called: ABCA4-related condition; ABCA4-related disorders. Identifiers: MedGen CN239167.
Severe early-childhood-onset retinal dystrophy (STGD1). Also called: Stargardt macular dystrophy; Juvenile onset macular degeneration; Stargardt disease 1; MACULAR DYSTROPHY WITH FLECKS, TYPE 1; STGD. Identifiers: Orphanet 364055, Orphanet 827, MedGen C1855465, MeSH D000080362, MONDO:0009549, OMIM 248200.

gnomAD v4.1: 4 of 1,614,148 alleles (0.00025%); highest among the groups gnomAD compares: Admixed American, 0.005%; no homozygotes.

Submissions (5):

Labcorp Genetics (formerly Invitae), Labcorp
Classification: Pathogenic. Last evaluated: 2025-11-20. Review status: criteria provided, single submitter. Criteria: Invitae Variant Classification Sherloc (09022015). Collection method: clinical testing. Allele origin: germline.
Comment: This sequence change replaces tryptophan, which is neutral and slightly polar, with cysteine, which is neutral and slightly polar, at codon 1618 of the ABCA4 protein (p.Trp1618Cys). This variant is present in population databases (rs61752439, gnomAD 0.009%). This missense change has been observed in individual(s) with retinal dystrophy and/or Stargardt disease (PMID: 31736247; internal data). In at least one individual the data is consistent with being in trans (on the opposite chromosome) from a pathogenic variant. ClinVar contains an entry for this variant (Variation ID: 812203). Invitae Evidence Modeling of protein sequence and biophysical properties (such as structural, functional, and spatial information, amino acid conservation, physicochemical variation, residue mobility, and thermodynamic stability) indicates that this missense variant is expected to disrupt ABCA4 protein function with a positive predictive value of 95%. For these reasons, this variant has been classified as Pathogenic.

3billion
Classification: Likely pathogenic for Severe early-childhood-onset retinal dystrophy. Last evaluated: 2023-11-28. Review status: criteria provided, single submitter. Criteria: ACMG Guidelines, 2015. Collection method: clinical testing. Allele origin: germline. Affected: yes.
Comment: The variant is observed at an extremely low frequency in the gnomAD v2.1.1 dataset (total allele frequency: 0.002%). Predicted Consequence/Location: Missense variant In silico tool predictions suggest damaging effect of the variant on gene or gene product [REVEL: 0.84 (>=0.6, sensitivity 0.68 and specificity 0.92); 3Cnet: 0.84 (>=0.6, sensitivity 0.72 and precision 0.9)]. Same nucleotide change resulting in same amino acid change has been previously reported to be associated with ABCA4-related disorder (ClinVar ID: VCV000812203 /PMID: 31736247). The variant has been reported to be in trans with a pathogenic variant as either compound heterozygous or homozygous in at least one similarly affected unrelated individual (PMID: 31736247). A different missense change at the same codon (p.Trp1618Arg) has been reported to be associated with ABCA4-related disorder (ClinVar ID: VCV000190984, VCV001480040 /PMID: 26355662). Therefore, this variant is classified as Likely pathogenic according to the recommendation of ACMG/AMP guideline.

Blueprint Genetics
Classification: Pathogenic for ABCA4-related disorders. Last evaluated: 2019-08-14. Review status: criteria provided, single submitter. Criteria: ACMG Guidelines, 2015. Collection method: clinical testing. Allele origin: germline. Affected: yes. Observed: 1 variant allele.

Sharon lab, Hadassah-Hebrew University Medical Center
Classification: Likely pathogenic for Stargardt disease. Last evaluated: 2019-06-23. Review status: no assertion criteria provided. Collection method: research. Allele origin: inherited. Affected: yes. Not counted in ClinVar's aggregate classification.

Ophthalmo-Genetics Lab, Instituto de Oftalmologia Conde de Valenciana
Classification: Pathogenic for Severe early-childhood-onset retinal dystrophy. Review status: no assertion criteria provided. Collection method: research. Allele origin: germline. Inheritance: Autosomal recessive inheritance. Affected: yes. Not counted in ClinVar's aggregate classification.

Literature cited by the submitters: PubMed 31736247 (cited by 3 submitters); PubMed 26355662 (cited by 3billion).